The following is an entry in ClinVar:

NM_001267550.2(TTN):c.66546T>A (p.Tyr22182Ter)

Genes: TTN-AS1 (TTN antisense RNA 1; plus strand), TTN (titin; minus strand). Cytogenetic location: 2q31.2.
Variant type: single nucleotide variant.
Coding change: c.66546T>A on transcript NM_001267550.2 (MANE Select); coding-DNA position 66546, T replaced by A.
Protein change: p.Tyr22182Ter; replaces tyrosine 22182 with a stop codon.
Molecular consequence: nonsense.
Genome position (GRCh38, 1-based): chr2:178,581,722, A>T on the plus strand (T>A on the coding strand, the complement: TTN is on the minus strand). VCF-style: chr2-178581722-A-T. GRCh37 (hg19) VCF-style: chr2-179446449-A-T.
Other names: c.61623T>A, p.Tyr20541Ter (NM_001256850.1); c.39351T>A, p.Tyr13117Ter (NM_003319.4); c.58842T>A, p.Tyr19614Ter (NM_133378.4); c.39726T>A, p.Tyr13242Ter (NM_133432.3); c.39927T>A, p.Tyr13309Ter (NM_133437.4); short protein forms Y13117*, Y13242*, Y13309*, Y19614*, Y20541*, Y22182*.
Identifiers: ClinVar variation 3760024 (VCV003760024.2).

ClinVar aggregate classification (germline): Likely pathogenic (1 of 4 stars; one submission).

Conditions:
Dilated cardiomyopathy 1G (CMD1G). Identifiers: Orphanet 154, MedGen C1858763, MONDO:0011400, OMIM 604145.
Autosomal recessive limb-girdle muscular dystrophy type 2J (LGMDR10). Also called: Limb-girdle muscular dystrophy, type 2J; MUSCULAR DYSTROPHY, LIMB-GIRDLE, AUTOSOMAL RECESSIVE 10. Identifiers: Orphanet 140922, MedGen C1837342, MONDO:0012127, OMIM 608807.

Submission:

Labcorp Genetics (formerly Invitae), Labcorp
Classification: Likely pathogenic for Dilated cardiomyopathy 1G; Autosomal recessive limb-girdle muscular dystrophy type 2J. Last evaluated: 2024-12-11. Review status: criteria provided, single submitter. Criteria: Invitae Variant Classification Sherloc (09022015). Collection method: clinical testing. Allele origin: germline.
Comment: This sequence change creates a premature translational stop signal (p.Tyr22182*) in the TTN gene. While this is not anticipated to result in nonsense mediated decay, it is expected to create a truncated TTN protein. This variant is not present in population databases (gnomAD no frequency). This premature translational stop signal has been observed in individual(s) with dilated cardiomyopathy (internal data). This variant is located in the A band of TTN (PMID: 25589632). Truncating variants in this region are significantly overrepresented in patients affected with dilated cardiomyopathy (PMID: 25589632). Truncating variants in this region have also been reported in individuals affected with autosomal recessive centronuclear myopathy (PMID: 23975875). In summary, the currently available evidence indicates that the variant is pathogenic, but additional data are needed to prove that conclusively. Therefore, this variant has been classified as Likely Pathogenic.

Literature cited by the submitters: PubMed 25589632; PubMed 23975875.